The following is an entry in ClinVar:

ClinVar aggregate classification (germline): Benign. Review status: criteria provided, single submitter (1 of 4 stars). 2 submissions from 1 submitter: Benign (1). 1 of the submissions does not count toward it. Last evaluated 2015-03-03.

Submissions (2):

GeneDx
Classification: Benign. Last evaluated: 2015-03-03. Review status: criteria provided, single submitter. Criteria: GeneDx Variant Classification Process June 2021. Collection method: clinical testing. Allele origin: germline. Affected: yes.

GeneDx
Classification: Benign. Last evaluated: 2013-10-23. Review status: flagged submission. Criteria: GeneDx Variant Classification (06012015). Collection method: clinical testing. Allele origin: germline. Affected: yes. Not counted in ClinVar's aggregate classification.
Comment: The variant is found in INFANT-EPI,EPILEPSY panel(s).
ClinVar note: Reason: This record appears to be redundant with a more recent record from the same submitter.
ClinVar note: Notes: SCV000241427 appears to be redundant with SCV001940556.

NM_172107.3(KCNQ2):c.1302-18_1302-17insTGTCCGTC

Gene: KCNQ2 (potassium voltage-gated channel subfamily Q member 2; minus strand). Cytogenetic location: 20q13.33.
Variant type: Insertion.
Coding change: c.1302-18_1302-17insTGTCCGTC on transcript NM_172107.3; 18 bases into the intron before coding-DNA position 1302 through 17 bases into the intron before coding-DNA position 1302, TGTCCGTC inserted.
Molecular consequence: intron variant (on NM_172107.4).
Genome position: GRCh38 VCF-style: chr20-63415143-C-CGACGGACA. GRCh37 (hg19) VCF-style: chr20-62046496-C-CGACGGACA.
Other names: c.1218-18_1218-17insGTCTGTCC (NM_004518.6); c.1248-54_1248-53insGTCTGTCC (NM_172108.5); c.1248-18_1248-17insGTCTGTCC (NM_172106.3); c.1302-18_1302-17insGTCTGTCC (NM_172107.4).
Identifiers: ClinVar variation 205841 (VCV000205841.3), dbSNP rs1555854855, ClinGen allele CA315303.